The following is an entry in ClinVar:

ClinVar aggregate classification (germline): Pathogenic. Review status: criteria provided, single submitter (1 of 4 stars). 2 submissions from 2 submitters: Pathogenic (1). 1 of the submissions does not count toward it. Last evaluated 2025-02-13.

Conditions:
Arthrogryposis, distal, type 1A. Also called: ARTHROGRYPOSIS MULTIPLEX CONGENITA, DISTAL, TYPE I. Identifiers: Orphanet 1146, MedGen C6022280, MONDO:0007157, OMIM 108120.

Allele frequency attached by ClinVar (database versions not stated): gnomAD exomes below 0.00001.
gnomAD v4.1: 3 of 1,614,064 alleles (0.00019%); highest among the groups gnomAD compares: Non-Finnish European, 0.00025%; no homozygotes.

Submissions (2):

Labcorp Genetics (formerly Invitae), Labcorp
Classification: Pathogenic for Arthrogryposis, distal, type 1A. Last evaluated: 2025-02-13. Review status: criteria provided, single submitter. Criteria: Invitae Variant Classification Sherloc (09022015). Collection method: clinical testing. Allele origin: germline.
Comment: This sequence change creates a premature translational stop signal (p.Gln210*) in the TPM2 gene. It is expected to result in an absent or disrupted protein product. Loss-of-function variants in TPM2 are known to be pathogenic (PMID: 19155175, 27726070). This variant is not present in population databases (gnomAD no frequency). This premature translational stop signal has been observed in individual(s) with congenital myopathy (PMID: 19155175). ClinVar contains an entry for this variant (Variation ID: 140493). Algorithms developed to predict the effect of sequence changes on RNA splicing suggest that this variant may disrupt the consensus splice site. For these reasons, this variant has been classified as Pathogenic.

TPM2 homepage - Leiden Muscular Dystrophy pages
No classification provided. Review status: no classification provided. Collection method: not provided. Allele origin: germline. Not counted in ClinVar's aggregate classification.

Literature cited by the submitters: PubMed 19155175 (cited by Labcorp Genetics (formerly Invitae), Labcorp); PubMed 27726070 (cited by Labcorp Genetics (formerly Invitae), Labcorp).

NM_003289.4(TPM2):c.628C>T (p.Gln210Ter)

Gene: TPM2 (tropomyosin 2; minus strand). Cytogenetic location: 9p13.3.
Variant type: single nucleotide variant.
Coding change: c.628C>T on transcript NM_003289.4 (MANE Select); coding-DNA position 628, C replaced by T.
Protein change: p.Gln210Ter; replaces glutamine 210 with a stop codon.
Molecular consequence: nonsense. On other transcripts: intron variant (2).
Genome position (GRCh38, 1-based): chr9:35,684,743, G>A on the plus strand (C>T on the coding strand, the complement: TPM2 is on the minus strand). VCF-style: chr9-35684743-G-A. GRCh37 (hg19) VCF-style: chr9-35684740-G-A.
Other names: c.628C>T, p.Gln210Ter (NM_001301226.2); c.640-193C>T (NM_213674.1, NM_001301227.2); short protein forms Q210*.
Identifiers: ClinVar variation 140493 (VCV000140493.2), dbSNP rs199476154, ClinGen allele CA232659.
Genomic context (GRCh38, chr9:35,684,743, plus strand): 5'-TCCCTCCCCTGTGGGACCCCATCCTCACTGCCCCTCTGCTCCCCTCTACCTTGTCCGCCT[G>A]GGCCTCCAGGGATTTCAAGTTGTTGGTAACAATTTTCAGCTCCTCCTCTAGGTCCCCACA-3'